The following is an entry in ClinVar:

ClinVar aggregate classification (germline): Uncertain significance (1 of 4 stars; one submission).

Allele frequency attached by ClinVar (database versions not stated): gnomAD exomes 0.00002 and 0.00003; ExAC 0.00001; TOPMed 0.00001.
gnomAD v4.1: 49 of 1,614,184 alleles (0.003%); highest among the groups gnomAD compares: Non-Finnish European, 0.0038%; no homozygotes.

Submission:

Labcorp Genetics (formerly Invitae), Labcorp
Classification: Uncertain significance. Last evaluated: 2021-05-26. Review status: criteria provided, single submitter. Criteria: Invitae Variant Classification Sherloc (09022015). Collection method: clinical testing. Allele origin: germline.
Comment: This variant has not been reported in the literature in individuals with UBR1-related conditions. This variant is present in population databases (rs748150323, ExAC 0.002%). This sequence change replaces threonine with alanine at codon 1698 of the UBR1 protein (p.Thr1698Ala). The threonine residue is highly conserved and there is a small physicochemical difference between threonine and alanine. Algorithms developed to predict the effect of missense changes on protein structure and function (SIFT, PolyPhen-2, Align-GVGD) all suggest that this variant is likely to be disruptive, but these predictions have not been confirmed by published functional studies and their clinical significance is uncertain. In summary, the available evidence is currently insufficient to determine the role of this variant in disease. Therefore, it has been classified as a Variant of Uncertain Significance.

NM_174916.3(UBR1):c.5092A>G (p.Thr1698Ala)

Gene: UBR1 (ubiquitin protein ligase E3 component n-recognin 1; minus strand). Cytogenetic location: 15q15.2.
Variant type: single nucleotide variant.
Coding change: c.5092A>G on transcript NM_174916.3 (MANE Select); coding-DNA position 5092, A replaced by G.
Protein change: p.Thr1698Ala; replaces threonine 1698 with alanine.
Molecular consequence: missense variant.
Genome position (GRCh38, 1-based): chr15:42,950,278, T>C on the plus strand (A>G on the coding strand, the complement: UBR1 is on the minus strand). VCF-style: chr15-42950278-T-C. GRCh37 (hg19) VCF-style: chr15-43242476-T-C.
Other names: short protein forms T1698A.
Identifiers: ClinVar variation 1413168 (VCV001413168.8), dbSNP rs748150323, ClinGen allele CA7517690.